The following is an entry in ClinVar:

ClinVar aggregate classification (germline): Uncertain significance (1 of 4 stars; one submission).

Conditions:
Gastrointestinal stromal tumor. Also called: Gastrointestinal stromal tumor, somatic; Gastrointestinal stroma tumor. Identifiers: Orphanet 44890, MedGen C0238198, MeSH D046152, MONDO:0011719, OMIM 606764, HP:0100723.

Submission:

Labcorp Genetics (formerly Invitae), Labcorp
Classification: Uncertain significance for Gastrointestinal stromal tumor. Last evaluated: 2025-08-10. Review status: criteria provided, single submitter. Criteria: Invitae Variant Classification Sherloc (09022015). Collection method: clinical testing. Allele origin: germline.
Comment: This sequence change replaces proline, which is neutral and non-polar, with alanine, which is neutral and non-polar, at codon 754 of the KIT protein (p.Pro754Ala). This variant is not present in population databases (gnomAD no frequency). This variant has not been reported in the literature in individuals affected with KIT-related conditions. An algorithm developed to predict the effect of missense changes on protein structure and function (PolyPhen-2) suggests that this variant is likely to be tolerated. In summary, the available evidence is currently insufficient to determine the role of this variant in disease. Therefore, it has been classified as a Variant of Uncertain Significance.

NM_000222.3(KIT):c.2260C>G (p.Pro754Ala)

Gene: KIT (KIT proto-oncogene, receptor tyrosine kinase; plus strand). Cytogenetic location: 4q12.
Variant type: single nucleotide variant.
Coding change: c.2260C>G on transcript NM_000222.3 (MANE Select); coding-DNA position 2260, C replaced by G.
Protein change: p.Pro754Ala; replaces proline 754 with alanine.
Molecular consequence: missense variant.
Genome position (GRCh38, 1-based): chr4:54,731,897, C>G. VCF-style: chr4-54731897-C-G. GRCh37 (hg19) VCF-style: chr4-55598063-C-G.
Other names: c.2248C>G, p.Pro750Ala (NM_001093772.2, NM_001385292.1); c.2263C>G, p.Pro755Ala (NM_001385284.1); c.2257C>G, p.Pro753Ala (NM_001385285.1); c.2245C>G, p.Pro749Ala (NM_001385286.1); c.2251C>G, p.Pro751Ala (NM_001385288.1); c.2260C>G, p.Pro754Ala (NM_001385290.1); short protein forms P751A, P750A, P753A, P749A, P754A, P755A.
Identifiers: ClinVar variation 4725109 (VCV004725109.1).